The following is an entry in ClinVar:

NM_003579.4(RAD54L):c.2111C>G (p.Ala704Gly)

Genes: LRRC41 (leucine rich repeat containing 41; minus strand), RAD54L (RAD54 like; plus strand). Cytogenetic location: 1p34.1.
Variant type: single nucleotide variant.
Coding change: c.2111C>G on transcript NM_003579.4 (MANE Select); coding-DNA position 2111, C replaced by G.
Protein change: p.Ala704Gly; replaces alanine 704 with glycine.
Molecular consequence: missense variant. On other transcripts: 3 prime UTR variant (1).
Genome position (GRCh38, 1-based): chr1:46,278,149, C>G. VCF-style: chr1-46278149-C-G. GRCh37 (hg19) VCF-style: chr1-46743821-C-G.
Other names: c.*716G>C (NM_006369.5); c.2111C>G, p.Ala704Gly (NM_001142548.2); c.1571C>G, p.Ala524Gly (NM_001370766.1); short protein forms A524G, A704G.
Identifiers: ClinVar variation 1786115 (VCV001786115.3), dbSNP rs749368390, ClinGen allele CA340191164.

ClinVar aggregate classification (germline): Uncertain significance (1 of 4 stars; one submission).

Allele frequency attached by ClinVar (database versions not stated): TOPMed below 0.00001.
gnomAD v4.1: 3 of 1,613,756 alleles (0.00019%); highest among the groups gnomAD compares: Middle Eastern, 0.017%; no homozygotes.

Submission:

Ambry Genetics
Classification: Uncertain significance. Last evaluated: 2024-05-03. Review status: criteria provided, single submitter. Criteria: Ambry Variant Classification Scheme 2023. Collection method: clinical testing. Allele origin: germline.
Comment: The p.A704G variant (also known as c.2111C>G), located in coding exon 18 of the RAD54L gene, results from a C to G substitution at nucleotide position 2111. The alanine at codon 704 is replaced by glycine, an amino acid with similar properties. This amino acid position is conserved. In addition, this alteration is predicted to be tolerated by in silico analysis. Since supporting evidence is limited at this time, the clinical significance of this alteration remains unclear.